The following is an entry in ClinVar:

NM_000548.5(TSC2):c.540G>A (p.Leu180=)

Gene: TSC2 (TSC complex subunit 2; plus strand). Cytogenetic location: 16p13.3.
Variant type: single nucleotide variant.
Coding change: c.540G>A on transcript NM_000548.5 (MANE Select); coding-DNA position 540, G replaced by A.
Protein change: p.Leu180=; no amino-acid change (leucine 180 retained).
Molecular consequence: synonymous variant. On other transcripts: intron variant (1).
Genome position (GRCh38, 1-based): chr16:2,055,460, G>A. VCF-style: chr16-2055460-G-A. GRCh37 (hg19) VCF-style: chr16-2105461-G-A.
Other names: c.540G>A, p.Leu180= (NM_001077183.3, NM_001114382.3, NM_001363528.2 and 3 more transcripts); c.429G>A, p.Leu143= (NM_001318827.2); c.393G>A, p.Leu131= (NM_001318829.2); c.573G>A, p.Leu191= (NM_001318832.2); c.-1-736G>A (NM_001318831.2); c.540G>A (NM_000548.3).
Identifiers: ClinVar variation 871456 (VCV000871456.25), dbSNP rs1567403619, ClinGen allele CA492955795.

ClinVar aggregate classification (germline): Conflicting classifications of pathogenicity. Review status: criteria provided, conflicting classifications (1 of 4 stars). 5 submissions from 5 submitters: Uncertain significance (1); Benign (1); Likely benign (3). Last evaluated 2025-05-07.

Conditions:
Tuberous sclerosis 2 (TSC2). Identifiers: Orphanet 805, MedGen C1860707, MONDO:0013199, OMIM 613254.
Hereditary cancer-predisposing syndrome. Also called: Neoplastic Syndromes, Hereditary; Hereditary neoplastic syndrome; Hereditary Cancer Syndrome; Tumor predisposition. Identifiers: Orphanet 140162, MedGen C0027672, MeSH D009386, MONDO:0015356.
Tuberous sclerosis syndrome (TSC). Also called: Tuberous sclerosis; Tuberous Sclerosis Complex. Identifiers: Orphanet 805, MedGen C0041341, MONDO:0001734.

Submissions (5):

Myriad Genetics, Inc.
Classification: Benign for Tuberous sclerosis 2. Last evaluated: 2025-05-07. Review status: criteria provided, single submitter. Criteria: Myriad Autosomal Dominant, Autosomal Recessive and X-Linked Classification Criteria (2023). Collection method: clinical testing. Allele origin: unknown.
Comment: This variant is considered benign. This variant is a silent/synonymous amino acid change and it is not expected to impact splicing.

Ambry Genetics
Classification: Likely benign for Hereditary cancer-predisposing syndrome. Last evaluated: 2024-05-12. Review status: criteria provided, single submitter. Criteria: Ambry Variant Classification Scheme 2023. Collection method: clinical testing. Allele origin: germline.

All of Us Research Program, National Institutes of Health
Classification: Likely benign for Tuberous sclerosis syndrome. Last evaluated: 2024-02-05. Review status: criteria provided, single submitter. Criteria: ACMG Guidelines, 2015. Collection method: clinical testing. Allele origin: germline. Inheritance: Autosomal dominant inheritance. Observed: 1 variant allele, 1 heterozygote.
Comment: This study involves interpretation of variants in research participants for the purpose of population health screening. Participant phenotype was not available at the time of variant classification. Additional details can be found in publication PMID: 35346344, PMCID: PMC8962531

Labcorp Genetics (formerly Invitae), Labcorp
Classification: Uncertain significance for Tuberous sclerosis 2. Last evaluated: 2022-09-13. Review status: criteria provided, single submitter. Criteria: Invitae Variant Classification Sherloc (09022015). Collection method: clinical testing. Allele origin: germline.
Comment: ClinVar contains an entry for this variant (Variation ID: 871456). This variant has not been reported in the literature in individuals affected with TSC2-related conditions. This variant is not present in population databases (gnomAD no frequency). This sequence change affects codon 180 of the TSC2 mRNA. It is a 'silent' change, meaning that it does not change the encoded amino acid sequence of the TSC2 protein. In summary, the available evidence is currently insufficient to determine the role of this variant in disease. Therefore, it has been classified as a Variant of Uncertain Significance. Algorithms developed to predict the effect of sequence changes on RNA splicing suggest that this variant may disrupt the consensus splice site.

Genome-Nilou Lab
Classification: Likely benign for Tuberous sclerosis 2. Last evaluated: 2021-11-07. Review status: criteria provided, single submitter. Criteria: ACMG Guidelines, 2015. Collection method: clinical testing. Allele origin: germline. Affected: no.